The following is an entry in ClinVar:

NM_001127222.2(CACNA1A):c.4979G>T (p.Arg1660Leu)

Gene: CACNA1A (calcium voltage-gated channel subunit alpha1 A; minus strand). Cytogenetic location: 19p13.13.
Variant type: single nucleotide variant.
Coding change: c.4979G>T on transcript NM_001127222.2 (MANE Select); coding-DNA position 4979, G replaced by T.
Protein change: p.Arg1660Leu; replaces arginine 1660 with leucine.
Molecular consequence: missense variant.
Genome position (GRCh38, 1-based): chr19:13,235,702, C>A on the plus strand (G>T on the coding strand, the complement: CACNA1A is on the minus strand). VCF-style: chr19-13235702-C-A. GRCh37 (hg19) VCF-style: chr19-13346516-C-A.
Other names: c.4997G>T, p.Arg1666Leu (NM_000068.4, NM_023035.3); c.4982G>T, p.Arg1661Leu (NM_001127221.2); c.4988G>T, p.Arg1663Leu (NM_001174080.2); short protein forms R1663L, R1660L, R1666L, R1661L.
Identifiers: ClinVar variation 4789718 (VCV004789718.1).

ClinVar aggregate classification (germline): Likely pathogenic (1 of 4 stars; one submission).

Conditions:
Episodic ataxia type 2 (EA2). Also called: ACETAZOLAMIDE-RESPONSIVE HEREDITARY PAROXYSMAL CEREBELLAR ATAXIA; ATAXIA, EPISODIC, WITH NYSTAGMUS; ATAXIA, FAMILIAL PAROXYSMAL; CEREBELLAR ATAXIA, PAROXYSMAL, ACETAZOLAMIDE-RESPONSIVE; CEREBELLOPATHY, HEREDITARY PAROXYSMAL; EPISODIC ATAXIA, NYSTAGMUS-ASSOCIATED. Identifiers: Orphanet 97, MedGen C1720416, MONDO:0007163, OMIM 108500.
Developmental and epileptic encephalopathy, 42 (DEE42A). Also called: Epileptic encephalopathy, early infantile, 42; DEVELOPMENTAL AND EPILEPTIC ENCEPHALOPATHY 42A; EPILEPTIC ENCEPHALOPATHY, EARLY INFANTILE, 42A. Identifiers: MedGen C4310716, MONDO:0014917, OMIM 617106.

Submission:

Labcorp Genetics (formerly Invitae), Labcorp
Classification: Likely pathogenic for Developmental and epileptic encephalopathy, 42; Episodic ataxia type 2. Last evaluated: 2025-12-13. Review status: criteria provided, single submitter. Criteria: Invitae Variant Classification Sherloc (09022015). Collection method: clinical testing. Allele origin: germline.
Comment: This sequence change replaces arginine, which is basic and polar, with leucine, which is neutral and non-polar, at codon 1661 of the CACNA1A protein (p.Arg1661Leu). This variant is not present in population databases (gnomAD no frequency). This missense change has been observed in individual(s) with CACNA1A-related conditions (internal data). Invitae Evidence Modeling of protein sequence and biophysical properties (such as structural, functional, and spatial information, amino acid conservation, physicochemical variation, residue mobility, and thermodynamic stability) indicates that this missense variant is expected to disrupt CACNA1A protein function with a positive predictive value of 95%. This variant disrupts the p.Arg1661 amino acid residue in CACNA1A. Other variant(s) that disrupt this residue have been determined to be pathogenic (PMID: 10987655, 29482223). This suggests that this residue is clinically significant, and that variants that disrupt this residue are likely to be disease-causing. In summary, the currently available evidence indicates that the variant is pathogenic, but additional data are needed to prove that conclusively. Therefore, this variant has been classified as Likely Pathogenic.

Literature cited by the submitters: PubMed 10987655; PubMed 29482223.